The following is an entry in ClinVar:

ClinVar aggregate classification (germline): Likely benign (1 of 4 stars; one submission).

Allele frequency attached by ClinVar (database versions not stated): 1000 Genomes Project 30x 0.00250; 1000 Genomes Project 0.00260; TOPMed 0.00302.
gnomAD v4.1: 522 of 152,166 alleles (0.34%); highest among the groups gnomAD compares: Non-Finnish European, 0.5%; 5 homozygotes.

Submission:

CeGaT Center for Human Genetics Tuebingen
Classification: Likely benign. Last evaluated: 2023-06-01. Review status: criteria provided, single submitter. Criteria: CeGaT Center For Human Genetics Tuebingen Variant Classification Criteria Version 2. Collection method: clinical testing. Allele origin: germline. Affected: yes. Observed: 7 variant alleles.
Comment: TFG: BS2

NM_006070.6(TFG):c.416-633C>T

Gene: TFG (trafficking from ER to golgi regulator; plus strand). Cytogenetic location: 3q12.2.
Variant type: single nucleotide variant.
Coding change: c.416-633C>T on transcript NM_006070.6 (MANE Select); 633 bases into the intron before coding-DNA position 416, C replaced by T.
Molecular consequence: intron variant.
Genome position (GRCh38, 1-based): chr3:100,731,875, C>T. VCF-style: chr3-100731875-C-T. GRCh37 (hg19) VCF-style: chr3-100450719-C-T.
Other names: c.416-633C>T (NM_001007565.2, NM_001195479.2, NM_001195478.2).
Identifiers: ClinVar variation 2498936 (VCV002498936.28), dbSNP rs114182138, ClinGen allele CA79701497.